The following is an entry in ClinVar:

ClinVar aggregate classification (germline): Pathogenic (1 of 4 stars; one submission).

Conditions:
Cone-rod dystrophy 16 (CORD16). Identifiers: MedGen C3281045, MONDO:0013786, OMIM 614500.

Allele frequency attached by ClinVar (database versions not stated): gnomAD exomes below 0.00001.

Submission:

Centre for Mendelian Genomics, University Medical Centre Ljubljana
Classification: Pathogenic for Cone-rod dystrophy 16. Last evaluated: 2020-01-21. Review status: criteria provided, single submitter. Criteria: ACMG Guidelines, 2015. Collection method: clinical testing. Allele origin: unknown. Affected: yes.
Comment: This variant was classified as: Pathogenic. The following ACMG criteria were applied in classifying this variant: PVS1,PM2,PP3. This variant was detected in homozygous state.

NM_177965.4(CFAP418):c.363del (p.Asn121fs)

Gene: CFAP418 (cilia and flagella associated protein 418; minus strand). Cytogenetic location: 8q22.1.
Variant type: Deletion.
Coding change: c.363del on transcript NM_177965.4 (MANE Select); coding-DNA position 363, one base deleted (T; older notation c.363delT).
Protein change: p.Asn121fs; shifts the reading frame from asparagine 121.
Molecular consequence: frameshift variant.
Genome position (GRCh38, 1-based): chr8:95,259,851, A deleted on the plus strand (T on the coding strand, the reverse complement: CFAP418 is on the minus strand). VCF-style (leftmost placement, unchanged base first): chr8-95259850-TA-T. GRCh37 (hg19) VCF-style: chr8-96272078-TA-T.
Other names: c.363del, p.Asn121fs (NM_001363260.1); short protein forms N121fs.
Identifiers: ClinVar variation 930729 (VCV000930729.3), dbSNP rs1811856716, ClinGen allele CA1139660667.